The following is an entry in ClinVar:

NM_001017989.3(OPA3):c.385T>C (p.Leu129=)

Genes: OPA3 (outer mitochondrial membrane lipid metabolism regulator OPA3; minus strand), OPA3-RTN2 (OPA3-RTN2 readthrough; minus strand). Cytogenetic location: 19q13.32.
Variant type: single nucleotide variant.
Coding change: c.385T>C on transcript NM_001017989.3; coding-DNA position 385, T replaced by C.
Protein change: p.Leu129=; no amino-acid change (leucine 129 retained).
Molecular consequence: synonymous variant.
Genome position (GRCh38, 1-based): chr19:45,529,214, A>G on the plus strand (T>C on the coding strand, the complement: OPA3 is on the minus strand). VCF-style: chr19-45529214-A-G. GRCh37 (hg19) VCF-style: chr19-46032472-A-G.
Identifiers: ClinVar variation 3356318 (VCV003356318.1).
Genomic context (GRCh38, chr19:45,529,214, plus strand): 5'-GGGCGAGCTGCGTCGACGTCGCCTGCACCTGCGCCTGCAACTCCTCGAGCGCCAGCCCCA[A>G]GTGGCCCACCTCGCCCCGCAGCGCCTCCCTGGCAACACGTCGCTCCTTTTCCTTGCGGCG-3'

ClinVar aggregate classification (germline): Likely benign (0 of 4 stars; one submission).

Conditions:
OPA3-related disorder. Also called: OPA3-related condition.

gnomAD v4.1: 16 of 1,612,400 alleles (0.00099%); highest among the groups gnomAD compares: Middle Eastern, 0.05%; no homozygotes.

Submission:

PreventionGenetics, part of Exact Sciences
Classification: Likely benign for OPA3-related condition. Last evaluated: 2020-01-10. Review status: no assertion criteria provided. Collection method: clinical testing. Allele origin: germline.
Comment: This variant is classified as likely benign based on ACMG/AMP sequence variant interpretation guidelines (Richards et al. 2015 PMID: 25741868, with internal and published modifications).